The following is an entry in ClinVar:

ClinVar aggregate classification (germline): Conflicting classifications of pathogenicity. Review status: criteria provided, conflicting classifications (1 of 4 stars). 3 submissions from 3 submitters: Likely pathogenic (1); Uncertain significance (1). 1 of the submissions does not count toward it. Last evaluated 2023-05-24.

Conditions:
Neurodevelopmental disorder with epilepsy, cataracts, feeding difficulties, and delayed brain myelination (NECFM). Identifiers: Orphanet 500545, MedGen C4479333, MONDO:0044306, OMIM 617393.
NACC1-related disorder. Also called: NACC1-related condition.

Submissions (3):

Blueprint Genetics
Classification: Uncertain significance. Last evaluated: 2023-05-24. Review status: criteria provided, single submitter. Criteria: ACMG Guidelines, 2015. Collection method: clinical testing. Allele origin: germline.

3billion
Classification: Likely pathogenic for Neurodevelopmental disorder with epilepsy, cataracts, feeding difficulties, and delayed brain myelination. Last evaluated: 2021-10-02. Review status: criteria provided, single submitter. Criteria: ACMG Guidelines, 2015. Collection method: clinical testing. Allele origin: de novo. Affected: yes. Observed: 1 heterozygote.
Comment: The variant has been confirmed to be de novoo (3billion dataset, PS2). It is not observed in the gnomAD v2.1.1 dataset (PM2). Therefore, this variant is classified as likley pathogenic according to the recommendation of ACMG/AMP guideline.

PreventionGenetics, part of Exact Sciences
Classification: Likely pathogenic for NACC1-related condition. Last evaluated: 2024-06-20. Review status: no assertion criteria provided. Collection method: clinical testing. Allele origin: germline. Not counted in ClinVar's aggregate classification.
Comment: The NACC1 c.1384G>A variant is predicted to result in the amino acid substitution p.Asp462Asn. To our knowledge, this variant has not been reported in the literature or in a large population database, indicating it is rare. This variant was found to have arisen de novo in multiple individuals tested for neurodevelopmental disorders at PreventionGenetics (Internal Data). This variant is interpreted as likely pathogenic.

NM_052876.4(NACC1):c.1384G>A (p.Asp462Asn)

Gene: NACC1 (nucleus accumbens associated 1; plus strand). Cytogenetic location: 19p13.13.
Variant type: single nucleotide variant.
Coding change: c.1384G>A on transcript NM_052876.4 (MANE Select); coding-DNA position 1384, G replaced by A.
Protein change: p.Asp462Asn; replaces aspartic acid 462 with asparagine.
Molecular consequence: missense variant.
Genome position (GRCh38, 1-based): chr19:13,138,206, G>A. VCF-style: chr19-13138206-G-A. GRCh37 (hg19) VCF-style: chr19-13249020-G-A.
Other names: short protein forms D462N.
Identifiers: ClinVar variation 1320157 (VCV001320157.4), dbSNP rs2145626399, ClinGen allele CA404329983.